The following is an entry in ClinVar:

NM_001291303.3(FAT4):c.8985C>T (p.Thr2995=)

Gene: FAT4 (FAT atypical cadherin 4; plus strand). Cytogenetic location: 4q28.1.
Variant type: single nucleotide variant.
Coding change: c.8985C>T on transcript NM_001291303.3 (MANE Select); coding-DNA position 8985, C replaced by T.
Protein change: p.Thr2995=; no amino-acid change (threonine 2995 retained).
Molecular consequence: synonymous variant.
Genome position (GRCh38, 1-based): chr4:125,449,995, C>T. VCF-style: chr4-125449995-C-T. GRCh37 (hg19) VCF-style: chr4-126371150-C-T.
Other names: c.8985C>T, p.Thr2995= (NM_001291285.3); c.8979C>T, p.Thr2993= (NM_024582.6).
Identifiers: ClinVar variation 382895 (VCV000382895.1), dbSNP rs1057521481, ClinGen allele CA16604685.
Genomic context (GRCh38, chr4:125,449,995, plus strand): 5'-AGTGGACAGTAATGACAATGCACCTCAATTTCTTAAAAGTAAATATTTCACTCCAGTCAC[C>T]AAAAATGTTAAGGTTGGTACGAAGTTAATCAGAGTTACAGCAATAGATGACAAAGATTTT-3'
Protein context (NP_001278232.1, residues 2985-3005): FLKSKYFTPV[Thr2995=]KNVKVGTKLI

ClinVar aggregate classification (germline): Likely benign (1 of 4 stars; one submission).

Submission:

GeneDx
Classification: Likely benign. Last evaluated: 2016-01-20. Review status: criteria provided, single submitter. Criteria: GeneDx Variant Classification (06012015). Collection method: clinical testing. Allele origin: germline. Affected: yes.
Comment: This variant is considered likely benign or benign based on one or more of the following criteria: it is a conservative change, it occurs at a poorly conserved position in the protein, it is predicted to be benign by multiple in silico algorithms, and/or has population frequency not consistent with disease.